The following is an entry in ClinVar:

ClinVar aggregate classification (germline): Uncertain significance (1 of 4 stars; one submission).

Submission:

CeGaT Center for Human Genetics Tuebingen
Classification: Uncertain significance. Last evaluated: 2024-08-01. Review status: criteria provided, single submitter. Criteria: CeGaT Center For Human Genetics Tuebingen Variant Classification Criteria Version 2. Collection method: clinical testing. Allele origin: germline. Affected: yes. Observed: 1 variant allele.
Comment: NUP210: PM2, BP4

NM_024923.4(NUP210):c.2254C>T (p.Leu752Phe)

Gene: NUP210 (nucleoporin 210; minus strand). Cytogenetic location: 3p25.1.
Variant type: single nucleotide variant.
Coding change: c.2254C>T on transcript NM_024923.4 (MANE Select); coding-DNA position 2254, C replaced by T.
Protein change: p.Leu752Phe; replaces leucine 752 with phenylalanine.
Molecular consequence: missense variant.
Genome position (GRCh38, 1-based): chr3:13,358,296, G>A on the plus strand (C>T on the coding strand, the complement: NUP210 is on the minus strand). VCF-style: chr3-13358296-G-A. GRCh37 (hg19) VCF-style: chr3-13399796-G-A.
Other names: short protein forms L752F.
Identifiers: ClinVar variation 3342222 (VCV003342222.16).